The following is an entry in ClinVar:

ClinVar aggregate classification (germline): Uncertain significance (1 of 4 stars; one submission).

Conditions:
Hereditary cancer-predisposing syndrome. Also called: Hereditary Cancer Syndrome; Hereditary neoplastic syndrome; Neoplastic Syndromes, Hereditary; Tumor predisposition. Identifiers: Orphanet 140162, MedGen C0027672, MeSH D009386, MONDO:0015356.

Submission:

Ambry Genetics
Classification: Uncertain significance for Hereditary cancer-predisposing syndrome. Last evaluated: 2025-05-17. Review status: criteria provided, single submitter. Criteria: Ambry Variant Classification Scheme 2023. Collection method: clinical testing. Allele origin: germline.
Comment: The p.E257K variant (also known as c.769G>A), located in coding exon 7 of the MRE11A gene, results from a G to A substitution at nucleotide position 769. The glutamic acid at codon 257 is replaced by lysine, an amino acid with similar properties. This amino acid position is conserved. In addition, the in silico prediction for this alteration is inconclusive. Based on the available evidence, the clinical significance of this variant remains unclear.

NM_005591.4(MRE11):c.769G>A (p.Glu257Lys)

Gene: MRE11 (MRE11 double strand break repair nuclease; minus strand). Cytogenetic location: 11q21.
Variant type: single nucleotide variant.
Coding change: c.769G>A on transcript NM_005591.4 (MANE Select); coding-DNA position 769, G replaced by A.
Protein change: p.Glu257Lys; replaces glutamic acid 257 with lysine.
Molecular consequence: missense variant.
Genome position (GRCh38, 1-based): chr11:94,471,650, C>T on the plus strand (G>A on the coding strand, the complement: MRE11 is on the minus strand). VCF-style: chr11-94471650-C-T. GRCh37 (hg19) VCF-style: chr11-94204816-C-T.
Other names: c.769G>A, p.Glu257Lys (NM_001330347.2, NM_005590.4); short protein forms E257K.
Identifiers: ClinVar variation 3912853 (VCV003912853.1).